The following is an entry in ClinVar:

ClinVar aggregate classification (germline): Uncertain significance (1 of 4 stars; one submission).

Allele frequency attached by ClinVar (database versions not stated): TOPMed below 0.00001; gnomAD 0.00001.
gnomAD v4.1: 1 of 1,607,570 alleles (0.000062%); highest among the groups gnomAD compares: Admixed American, 0.0017%; no homozygotes.

Submission:

Ambry Genetics
Classification: Uncertain significance. Last evaluated: 2024-05-04. Review status: criteria provided, single submitter. Criteria: Ambry Variant Classification Scheme 2023. Collection method: clinical testing. Allele origin: germline.
Comment: The p.S256F variant (also known as c.767C>T), located in coding exon 6 of the POLQ gene, results from a C to T substitution at nucleotide position 767. The serine at codon 256 is replaced by phenylalanine, an amino acid with highly dissimilar properties. This amino acid position is conserved. In addition, this alteration is predicted to be tolerated by in silico analysis. Since supporting evidence is limited at this time, the clinical significance of this alteration remains unclear.

NM_199420.4(POLQ):c.767C>T (p.Ser256Phe)

Gene: POLQ (DNA polymerase theta; minus strand). Cytogenetic location: 3q13.33.
Variant type: single nucleotide variant.
Coding change: c.767C>T on transcript NM_199420.4 (MANE Select); coding-DNA position 767, C replaced by T.
Protein change: p.Ser256Phe; replaces serine 256 with phenylalanine.
Molecular consequence: missense variant.
Genome position (GRCh38, 1-based): chr3:121,533,183, G>A on the plus strand (C>T on the coding strand, the complement: POLQ is on the minus strand). VCF-style: chr3-121533183-G-A. GRCh37 (hg19) VCF-style: chr3-121252030-G-A.
Other names: short protein forms S256F.
Identifiers: ClinVar variation 1760100 (VCV001760100.3), dbSNP rs748504947, ClinGen allele CA354126767.